The following is an entry in ClinVar:

NM_014874.4(MFN2):c.691T>A (p.Ser231Thr)

Gene: MFN2 (mitofusin 2; plus strand). Cytogenetic location: 1p36.22.
Variant type: single nucleotide variant.
Coding change: c.691T>A on transcript NM_014874.4 (MANE Select); coding-DNA position 691, T replaced by A.
Protein change: p.Ser231Thr; replaces serine 231 with threonine.
Molecular consequence: missense variant.
Genome position (GRCh38, 1-based): chr1:11,998,861, T>A. VCF-style: chr1-11998861-T-A. GRCh37 (hg19) VCF-style: chr1-12058918-T-A.
Other names: c.691T>A, p.Ser231Thr (NM_001127660.2); short protein forms S231T.
Identifiers: ClinVar variation 623676 (VCV000623676.42), dbSNP rs1557524814, ClinGen allele CA338438512.

ClinVar aggregate classification (germline): Likely pathogenic (1 of 4 stars; one submission).

Submission:

CeGaT Center for Human Genetics Tuebingen
Classification: Likely pathogenic. Last evaluated: 2023-08-01. Review status: criteria provided, single submitter. Criteria: CeGaT Center For Human Genetics Tuebingen Variant Classification Criteria Version 2. Collection method: clinical testing. Allele origin: germline. Affected: yes. Observed: 4 variant alleles.
Comment: MFN2: PM1, PM2, PM5:Supporting, PP1, PP3